The following is an entry in ClinVar:

ClinVar aggregate classification (germline): Uncertain significance. Review status: criteria provided, multiple submitters, no conflicts (2 of 4 stars). 2 submissions from 2 submitters: Uncertain significance (2). Last evaluated 2025-03-14.

Conditions:
Accelerated tumor formation, susceptibility to (ACTFS). Identifiers: MedGen C3280690, OMIM 614401, MONDO:0013733.

gnomAD v4.1: 5 of 1,613,726 alleles (0.00031%); highest among the groups gnomAD compares: Admixed American, 0.0033%; no homozygotes.

Submissions (2):

Ambry Genetics
Classification: Uncertain significance. Last evaluated: 2025-03-14. Review status: criteria provided, single submitter. Criteria: Ambry Variant Classification Scheme 2023. Collection method: clinical testing. Allele origin: germline.

Labcorp Genetics (formerly Invitae), Labcorp
Classification: Uncertain significance for Accelerated tumor formation, susceptibility to. Last evaluated: 2024-04-22. Review status: criteria provided, single submitter. Criteria: Invitae Variant Classification Sherloc (09022015). Collection method: clinical testing. Allele origin: germline.
Comment: This sequence change replaces glycine, which is neutral and non-polar, with glutamic acid, which is acidic and polar, at codon 341 of the MDM2 protein (p.Gly341Glu). This variant is not present in population databases (gnomAD no frequency). This variant has not been reported in the literature in individuals affected with MDM2-related conditions. An algorithm developed to predict the effect of missense changes on protein structure and function (PolyPhen-2) suggests that this variant is likely to be disruptive. In summary, the available evidence is currently insufficient to determine the role of this variant in disease. Therefore, it has been classified as a Variant of Uncertain Significance.

NM_002392.6(MDM2):c.1022G>A (p.Gly341Glu)

Gene: MDM2 (MDM2 proto-oncogene; plus strand). Cytogenetic location: 12q15.
Variant type: single nucleotide variant.
Coding change: c.1022G>A on transcript NM_002392.6 (MANE Select); coding-DNA position 1022, G replaced by A.
Protein change: p.Gly341Glu; replaces glycine 341 with glutamic acid.
Molecular consequence: missense variant.
Genome position (GRCh38, 1-based): chr12:68,839,377, G>A. VCF-style: chr12-68839377-G-A. GRCh37 (hg19) VCF-style: chr12-69233157-G-A.
Other names: c.863G>A, p.Gly288Glu (NM_001145337.3); c.857G>A, p.Gly286Glu (NM_001145339.2); c.416G>A, p.Gly139Glu (NM_001145340.3); c.494G>A, p.Gly165Glu (NM_001278462.2); c.1004G>A, p.Gly335Glu (NM_001367990.1); c.1022G>A (NM_002392.3); short protein forms G335E, G165E, G341E, G139E, G288E, G286E.
Identifiers: ClinVar variation 3636198 (VCV003636198.3).